The following is an entry in ClinVar:

ClinVar aggregate classification (germline): Uncertain significance (1 of 4 stars; one submission).

gnomAD v4.1: 31 of 1,610,284 alleles (0.0019%); highest among the groups gnomAD compares: East Asian, 0.025%; no homozygotes.

Submission:

GeneDx
Classification: Uncertain significance. Last evaluated: 2024-03-07. Review status: criteria provided, single submitter. Criteria: GeneDx Variant Classification Process June 2021. Collection method: clinical testing. Allele origin: germline. Affected: yes.
Comment: Not observed at significant frequency in large population cohorts (gnomAD); In silico analysis supports that this missense variant has a deleterious effect on protein structure/function; Has not been previously published as pathogenic or benign to our knowledge

NM_032380.5(GFM2):c.842T>C (p.Ile281Thr)

Gene: GFM2 (GTP dependent ribosome recycling factor mitochondrial 2; minus strand). Cytogenetic location: 5q13.3.
Variant type: single nucleotide variant.
Coding change: c.842T>C on transcript NM_032380.5 (MANE Select); coding-DNA position 842, T replaced by C.
Protein change: p.Ile281Thr; replaces isoleucine 281 with threonine.
Molecular consequence: missense variant. On other transcripts: non-coding transcript variant (1).
Genome position (GRCh38, 1-based): chr5:74,745,685, A>G on the plus strand (T>C on the coding strand, the complement: GFM2 is on the minus strand). VCF-style: chr5-74745685-A-G. GRCh37 (hg19) VCF-style: chr5-74041510-A-G.
Other names: c.938T>C, p.Ile313Thr (NM_001281302.2); c.842T>C, p.Ile281Thr (NM_170681.3, NM_170691.3); short protein forms I281T, I313T.
Identifiers: ClinVar variation 3370617 (VCV003370617.1).